The following is an entry in ClinVar:

NM_032119.4(ADGRV1):c.589G>A (p.Asp197Asn)

Gene: ADGRV1 (adhesion G protein-coupled receptor V1; plus strand). Cytogenetic location: 5q14.3.
Variant type: single nucleotide variant.
Coding change: c.589G>A on transcript NM_032119.4 (MANE Select); coding-DNA position 589, G replaced by A.
Protein change: p.Asp197Asn; replaces aspartic acid 197 with asparagine.
Molecular consequence: missense variant. On other transcripts: non-coding transcript variant (1).
Genome position (GRCh38, 1-based): chr5:90,625,160, G>A. VCF-style: chr5-90625160-G-A. GRCh37 (hg19) VCF-style: chr5-89920977-G-A.
Other names: short protein forms D197N.
Identifiers: ClinVar variation 2058041 (VCV002058041.2), dbSNP rs1323610663, ClinGen allele CA360364361.

ClinVar aggregate classification (germline): Uncertain significance (1 of 4 stars; one submission).

Allele frequency attached by ClinVar (database versions not stated): gnomAD exomes below 0.00001; gnomAD 0.00001; TOPMed 0.00001.
gnomAD v4.1: 4 of 1,613,000 alleles (0.00025%); highest among the groups gnomAD compares: Middle Eastern, 0.016%; no homozygotes.

Submission:

Labcorp Genetics (formerly Invitae), Labcorp
Classification: Uncertain significance. Last evaluated: 2024-06-08. Review status: criteria provided, single submitter. Criteria: Invitae Variant Classification Sherloc (09022015). Collection method: clinical testing. Allele origin: germline.
Comment: This sequence change replaces aspartic acid, which is acidic and polar, with asparagine, which is neutral and polar, at codon 197 of the ADGRV1 protein (p.Asp197Asn). This variant is present in population databases (no rsID available, gnomAD 0.003%). This variant has not been reported in the literature in individuals affected with ADGRV1-related conditions. ClinVar contains an entry for this variant (Variation ID: 2058041). Advanced modeling of protein sequence and biophysical properties (such as structural, functional, and spatial information, amino acid conservation, physicochemical variation, residue mobility, and thermodynamic stability) performed at Invitae indicates that this missense variant is not expected to disrupt ADGRV1 protein function with a negative predictive value of 95%. In summary, the available evidence is currently insufficient to determine the role of this variant in disease. Therefore, it has been classified as a Variant of Uncertain Significance.